The following is an entry in ClinVar:

NM_007118.4(TRIO):c.3716G>A (p.Arg1239Lys)

Gene: TRIO (trio Rho guanine nucleotide exchange factor; plus strand). Cytogenetic location: 5p15.2.
Variant type: single nucleotide variant.
Coding change: c.3716G>A on transcript NM_007118.4 (MANE Select); coding-DNA position 3716, G replaced by A.
Protein change: p.Arg1239Lys; replaces arginine 1239 with lysine.
Molecular consequence: missense variant. On other transcripts: non-coding transcript variant (1).
Genome position (GRCh38, 1-based): chr5:14,387,583, G>A. VCF-style: chr5-14387583-G-A. GRCh37 (hg19) VCF-style: chr5-14387692-G-A.
Other names: short protein forms R1239K.
Identifiers: ClinVar variation 1321700 (VCV001321700.8), dbSNP rs2152361600, ClinGen allele CA359225674.

ClinVar aggregate classification (germline): Uncertain significance. Review status: criteria provided, multiple submitters, no conflicts (2 of 4 stars). 3 submissions from 3 submitters: Uncertain significance (3). Last evaluated 2025-12-30.

Submissions (3):

Women's Health and Genetics/Laboratory Corporation of America, LabCorp
Classification: Uncertain significance. Last evaluated: 2025-12-30. Review status: criteria provided, single submitter. Criteria: LabCorp Variant Classification Summary - May 2015. Collection method: clinical testing. Allele origin: germline.
Comment: Variant summary: TRIO c.3716G>A (p.Arg1239Lys) results in a conservative amino acid change in the encoded protein sequence. Algorithms developed to predict the effect of missense changes on protein structure and function are either unavailable or do not agree on the potential impact of this missense change. The variant was absent in 250982 control chromosomes. The available data on variant occurrences in the general population are insufficient to allow any conclusion about variant significance. To our knowledge, no occurrence of c.3716G>A in individuals affected with TRIO-related conditions and no experimental evidence demonstrating its impact on protein function have been reported. ClinVar contains an entry for this variant (Variation ID: 1321700). Based on the evidence outlined above, the variant was classified as uncertain significance.

Revvity Omics, Revvity
Classification: Uncertain significance. Last evaluated: 2022-12-28. Review status: criteria provided, single submitter. Criteria: ACMG Guidelines, 2015. Collection method: clinical testing. Allele origin: germline.

GeneDx
Classification: Uncertain significance. Last evaluated: 2021-11-08. Review status: criteria provided, single submitter. Criteria: GeneDx Variant Classification Process June 2021. Collection method: clinical testing. Allele origin: germline. Affected: yes.
Comment: Not observed at significant frequency in large population cohorts (Lek et al., 2016); In silico analysis supports that this missense variant does not alter protein structure/function; Has not been previously published as pathogenic or benign to our knowledge